The following is an entry in ClinVar:

ClinVar aggregate classification (germline): Uncertain significance (1 of 4 stars; one submission).

gnomAD v4.1: 7 of 1,614,088 alleles (0.00043%); highest among the groups gnomAD compares: African/African-American, 0.0093%; no homozygotes.

Submission:

Ambry Genetics
Classification: Uncertain significance. Last evaluated: 2025-12-03. Review status: criteria provided, single submitter. Criteria: Ambry Variant Classification Scheme 2023. Collection method: clinical testing. Allele origin: germline.
Comment: The c.3287T>G (p.I1096S) alteration is located in exon 16 (coding exon 16) of the SSFA2 gene. This alteration results from a T to G substitution at nucleotide position 3287, causing the isoleucine (I) at amino acid position 1096 to be replaced by a serine (S). Based on data from gnomAD, the G allele has an overall frequency of 0.002% (5/282862) total alleles studied. The highest observed frequency was 0.02% (5/24970) of African alleles. Based on insufficient or conflicting evidence, the clinical significance of this alteration remains unclear.

NM_001130445.3(ITPRID2):c.3287T>G (p.Ile1096Ser)

Gene: ITPRID2 (ITPR interacting domain containing 2; plus strand). Cytogenetic location: 2q31.3.
Variant type: single nucleotide variant.
Coding change: c.3287T>G on transcript NM_001130445.3 (MANE Select); coding-DNA position 3287, T replaced by G.
Protein change: p.Ile1096Ser; replaces isoleucine 1096 with serine.
Molecular consequence: missense variant. On other transcripts: non-coding transcript variant (1).
Genome position (GRCh38, 1-based): chr2:181,922,024, T>G. VCF-style: chr2-181922024-T-G. GRCh37 (hg19) VCF-style: chr2-182786751-T-G.
Other names: c.3221T>G, p.Ile1074Ser (NM_001287503.2); c.2762T>G, p.Ile921Ser (NM_001287504.2); c.3287T>G, p.Ile1096Ser (NM_006751.7); short protein forms I1074S, I921S, I1096S.
Identifiers: ClinVar variation 4680224 (VCV004680224.1).
Genomic context (GRCh38, chr2:181,922,024, plus strand): 5'-AGGAGCAGTCATACCTGAAGTCTGAATTGGGCCTGGGACTTGGAGAAATGGGATTTGAAA[T>G]TCCTCCTGGAGAAAGCTCAGAATCTGTTTTTTCCCAAGCAACATCAGAATCATCTTCTGT-3'
Protein context (NP_001123917.1, residues 1086-1106): GLGLGEMGFE[Ile1096Ser]PPGESSESVF